The following is an entry in ClinVar:

NM_019066.5(MAGEL2):c.682C>T (p.Pro228Ser)

Gene: MAGEL2 (MAGE family member L2; minus strand). Cytogenetic location: 15q11.2.
Variant type: single nucleotide variant.
Coding change: c.682C>T on transcript NM_019066.5 (MANE Select); coding-DNA position 682, C replaced by T.
Protein change: p.Pro228Ser; replaces proline 228 with serine.
Molecular consequence: missense variant.
Genome position (GRCh38, 1-based): chr15:23,647,061, G>A on the plus strand (C>T on the coding strand, the complement: MAGEL2 is on the minus strand). VCF-style: chr15-23647061-G-A. GRCh37 (hg19) VCF-style: chr15-23892208-G-A.
Other names: short protein forms P228S.
Identifiers: ClinVar variation 2968013 (VCV002968013.3), dbSNP rs1460357275, ClinGen allele CA391336735.

ClinVar aggregate classification (germline): Uncertain significance (1 of 4 stars; one submission).

gnomAD v4.1: 7 of 1,536,318 alleles (0.00046%); highest among the groups gnomAD compares: Non-Finnish European, 0.00052%; no homozygotes.

Submission:

Labcorp Genetics (formerly Invitae), Labcorp
Classification: Uncertain significance. Last evaluated: 2025-05-05. Review status: criteria provided, single submitter. Criteria: Invitae Variant Classification Sherloc (09022015). Collection method: clinical testing. Allele origin: germline.
Comment: This sequence change replaces proline, which is neutral and non-polar, with serine, which is neutral and polar, at codon 228 of the MAGEL2 protein (p.Pro228Ser). This variant is present in population databases (no rsID available, gnomAD 0.005%). This variant has not been reported in the literature in individuals affected with MAGEL2-related conditions. ClinVar contains an entry for this variant (Variation ID: 2968013). Experimental studies and prediction algorithms are not available or were not evaluated, and the functional significance of this variant is currently unknown. In summary, the available evidence is currently insufficient to determine the role of this variant in disease. Therefore, it has been classified as a Variant of Uncertain Significance.